The following is an entry in ClinVar:

ClinVar aggregate classification (germline): Likely pathogenic (1 of 4 stars; one submission).

Conditions:
KCNJ4-Related Neurodevelopmental Disorder.

Submission:

Neurogenetic Laboratory, Second Faculty of Medicine, Charles University
Classification: Likely pathogenic for KCNJ4-Related Neurodevelopmental Disorder. Last evaluated: 2026-08-31. Review status: criteria provided, single submitter. Criteria: ACMG Guidelines, 2015. Collection method: research. Allele origin: de novo. Affected: yes.
Comment: NM_152868.3:c.542G>A, p.(Arg181Gln) is a missense variant located in exon 2 (coding exon 1) of the KCNJ4 gene. This alteration results from a G to A substitution at nucleotide position 542, causing the arginine (R) at amino acid position 181 to be replaced by a glutamine (Q). Multiple lines of evidence support a deleterious effect on the gene product (PP3_Supporting; conservation, evolutionary, splicing, etc.). To our knowledge, no experimental evidence demonstrating an impact on protein function has been reported. The variant has been identified as a de novo occurrence with confirmation of paternity and maternity (PS2_Strong). This variant is not present in gnomAD (PM2_Moderate; version 4.1.0). In summary, this variant meets criteria to be classified as likely pathogenic based on ACMG criteria applied (Richards et al. Genet Med 2015;17(5):405-24).

NM_152868.3(KCNJ4):c.542G>A (p.Arg181Gln)

Gene: KCNJ4 (potassium inwardly rectifying channel subfamily J member 4; minus strand). Cytogenetic location: 22q13.1.
Variant type: single nucleotide variant.
Coding change: c.542G>A on transcript NM_152868.3 (MANE Select); coding-DNA position 542, G replaced by A.
Protein change: p.Arg181Gln; replaces arginine 181 with glutamine.
Molecular consequence: missense variant.
Genome position (GRCh38, 1-based): chr22:38,427,591, C>T on the plus strand (G>A on the coding strand, the complement: KCNJ4 is on the minus strand). VCF-style: chr22-38427591-C-T. GRCh37 (hg19) VCF-style: chr22-38823596-C-T.
Other names: c.542G>A, p.Arg181Gln (NM_004981.2); short protein forms R181Q.
Identifiers: ClinVar variation 4974499 (VCV004974499.1).